The following is an entry in ClinVar:

NM_000136.3(FANCC):c.1215G>T (p.Glu405Asp)

Genes: FANCC (FA complementation group C; minus strand), AOPEP (aminopeptidase O (putative); plus strand). Cytogenetic location: 9q22.32.
Variant type: single nucleotide variant.
Coding change: c.1215G>T on transcript NM_000136.3 (MANE Select); coding-DNA position 1215, G replaced by T.
Protein change: p.Glu405Asp; replaces glutamic acid 405 with aspartic acid.
Molecular consequence: missense variant.
Genome position (GRCh38, 1-based): chr9:95,111,577, C>A on the plus strand (G>T on the coding strand, the complement: FANCC is on the minus strand). VCF-style: chr9-95111577-C-A. GRCh37 (hg19) VCF-style: chr9-97873859-C-A.
Other names: c.1215G>T, p.Glu405Asp (NM_001243743.2, NM_001243744.2); short protein forms E405D.
Identifiers: ClinVar variation 1751526 (VCV001751526.3), dbSNP rs774113388, ClinGen allele CA5137420.

ClinVar aggregate classification (germline): Conflicting classifications of pathogenicity. Review status: criteria provided, conflicting classifications (1 of 4 stars). 2 submissions from 2 submitters: Uncertain significance (1); Likely benign (1). Last evaluated 2025-07-21.

Conditions:
Hereditary cancer-predisposing syndrome. Also called: Hereditary Cancer Syndrome; Hereditary neoplastic syndrome; Neoplastic Syndromes, Hereditary; Tumor predisposition. Identifiers: Orphanet 140162, MedGen C0027672, MeSH D009386, MONDO:0015356.
Fanconi anemia (FA). Also called: Fanconi's anemia. Identifiers: Orphanet 84, MedGen C0015625, MeSH D005199, MONDO:0019391.

Allele frequency attached by ClinVar (database versions not stated): gnomAD exomes below 0.00001; ExAC 0.00001.
gnomAD v4.1: 1 of 1,614,226 alleles (0.000062%); highest among the groups gnomAD compares: Admixed American, 0.0017%; no homozygotes.

Submissions (2):

Labcorp Genetics (formerly Invitae), Labcorp
Classification: Uncertain significance for Fanconi anemia. Last evaluated: 2025-07-21. Review status: criteria provided, single submitter. Criteria: Invitae Variant Classification Sherloc (09022015). Collection method: clinical testing. Allele origin: germline.
Comment: This sequence change replaces glutamic acid, which is acidic and polar, with aspartic acid, which is acidic and polar, at codon 405 of the FANCC protein (p.Glu405Asp). This variant is present in population databases (rs774113388, gnomAD 0.006%). This variant has not been reported in the literature in individuals affected with FANCC-related conditions. ClinVar contains an entry for this variant (Variation ID: 1751526). Invitae Evidence Modeling of protein sequence and biophysical properties (such as structural, functional, and spatial information, amino acid conservation, physicochemical variation, residue mobility, and thermodynamic stability) indicates that this missense variant is not expected to disrupt FANCC protein function with a negative predictive value of 80%. In summary, the available evidence is currently insufficient to determine the role of this variant in disease. Therefore, it has been classified as a Variant of Uncertain Significance.

Ambry Genetics
Classification: Likely benign for Hereditary cancer-predisposing syndrome. Last evaluated: 2022-08-01. Review status: criteria provided, single submitter. Criteria: Ambry Variant Classification Scheme 2023. Collection method: clinical testing. Allele origin: germline.